The following is an entry in ClinVar:

NM_182961.4(SYNE1):c.25756G>A (p.Glu8586Lys)

Gene: SYNE1 (spectrin repeat containing nuclear envelope protein 1; minus strand). Cytogenetic location: 6q25.2.
Variant type: single nucleotide variant.
Coding change: c.25756G>A on transcript NM_182961.4 (MANE Select); coding-DNA position 25756, G replaced by A.
Protein change: p.Glu8586Lys; replaces glutamic acid 8586 with lysine.
Molecular consequence: missense variant.
Genome position (GRCh38, 1-based): chr6:152,135,136, C>T on the plus strand (G>A on the coding strand, the complement: SYNE1 is on the minus strand). VCF-style: chr6-152135136-C-T. GRCh37 (hg19) VCF-style: chr6-152456271-C-T.
Other names: c.2362G>A, p.Glu788Lys (NM_001347701.2); c.2290G>A, p.Glu764Lys (NM_001347702.2); c.25612G>A, p.Glu8538Lys (NM_033071.5); short protein forms E764K, E8538K, E8586K, E788K.
Identifiers: ClinVar variation 2121595 (VCV002121595.4), dbSNP rs1382734634, ClinGen allele CA366078539.
Genomic context (GRCh38, chr6:152,135,136, plus strand): 5'-GGAGGCTGCCAGAGTTCACACATCTTACCATAAGCTGTTTGTGATGGTCCTGAAGTATCT[C>T]TGCATCAAGGTTAGAATCAATAGGGACAATTTCATTTTTCCTTCTGTCAATGTTCTCCAG-3'
Protein context (NP_892006.3, residues 8576-8596): IVPIDSNLDA[Glu8586Lys]ILQDHHKQLM

ClinVar aggregate classification (germline): Uncertain significance (1 of 4 stars; one submission).

Conditions:
Emery-Dreifuss muscular dystrophy 4, autosomal dominant (EDMD4). Also called: EMERY-DREIFUSS MUSCULAR DYSTROPHY 4 WITH VARIABLE FEATURES. Identifiers: Orphanet 261, MedGen C2751807, MONDO:0013071, OMIM 612998.
Autosomal recessive ataxia, Beauce type. Also called: SYNE1 Deficiency; Spinocerebellar ataxia, autosomal recessive 8; ATAXIA, RECESSIVE, OF BEAUCE; SYNE1-Related Autosomal Recessive Cerebellar Ataxia. Identifiers: Orphanet 88644, MedGen C1853116, MONDO:0012549, OMIM 610743.

Allele frequency attached by ClinVar (database versions not stated): gnomAD exomes below 0.00001.
gnomAD v4.1: 1 of 1,614,160 alleles (0.000062%); highest among the groups gnomAD compares: East Asian, 0.0022%; no homozygotes.

Submission:

Labcorp Genetics (formerly Invitae), Labcorp
Classification: Uncertain significance for Emery-Dreifuss muscular dystrophy 4, autosomal dominant; Autosomal recessive ataxia, Beauce type. Last evaluated: 2022-09-27. Review status: criteria provided, single submitter. Criteria: Invitae Variant Classification Sherloc (09022015). Collection method: clinical testing. Allele origin: germline.
Comment: In summary, the available evidence is currently insufficient to determine the role of this variant in disease. Therefore, it has been classified as a Variant of Uncertain Significance. Algorithms developed to predict the effect of missense changes on protein structure and function are either unavailable or do not agree on the potential impact of this missense change (SIFT: "Deleterious"; PolyPhen-2: "Possibly Damaging"; Align-GVGD: "Class C0"). This variant has not been reported in the literature in individuals affected with SYNE1-related conditions. This variant is present in population databases (no rsID available, gnomAD 0.006%). This sequence change replaces glutamic acid, which is acidic and polar, with lysine, which is basic and polar, at codon 8538 of the SYNE1 protein (p.Glu8538Lys).